The following is an entry in ClinVar:

ClinVar aggregate classification (germline): Benign/Likely benign. Review status: criteria provided, multiple submitters, no conflicts (2 of 4 stars). 2 submissions from 2 submitters: Benign (1); Likely benign (1). Last evaluated 2025-03-18.

Conditions:
Carney-Stratakis syndrome. Also called: PARAGANGLIOMA AND GASTROINTESTINAL STROMAL TUMOR. Identifiers: Orphanet 97286, MedGen C1847319, MONDO:0011740, OMIM 606864.
Cowden syndrome 3 (CWS3). Identifiers: Orphanet 201, MedGen CN166604, MONDO:0014045.
Pheochromocytoma. Also called: MAX-Related Hereditary Paraganglioma-Pheochromocytoma Syndrome. Identifiers: Orphanet 29072, MedGen C0031511, MONDO:0008233, OMIM 171300, HP:0002666.
Paragangliomas with sensorineural hearing loss. Identifiers: MedGen C1868633.
Pheochromocytoma/paraganglioma syndrome 1. Also called: SDHD-Related Hereditary Paraganglioma-Pheochromocytoma Syndrome; PARAGANGLIOMAS, FAMILIAL NONCHROMAFFIN, 1; PGL 1; Paragangliomas familial 1; Paraganglioma - glomus jugulare; PARAGANGLIOMATA. Identifiers: Orphanet 29072, MedGen C3494181, MONDO:0008192, OMIM 168000.

Submissions (2):

Myriad Genetics, Inc.
Classification: Benign for Pheochromocytoma/paraganglioma syndrome 1. Last evaluated: 2025-03-18. Review status: criteria provided, single submitter. Criteria: Myriad Autosomal Dominant, Autosomal Recessive and X-Linked Classification Criteria (2023). Collection method: clinical testing. Allele origin: unknown.
Comment: This variant is considered benign. This variant is a silent/synonymous amino acid change and it is not expected to impact splicing.

Labcorp Genetics (formerly Invitae), Labcorp
Classification: Likely benign for Carney-Stratakis syndrome; Paragangliomas with sensorineural hearing loss; Pheochromocytoma; Cowden syndrome 3. Last evaluated: 2022-02-21. Review status: criteria provided, single submitter. Criteria: Invitae Variant Classification Sherloc (09022015). Collection method: clinical testing. Allele origin: germline.

NM_003002.4(SDHD):c.393T>C (p.Leu131=)

Gene: SDHD (succinate dehydrogenase complex subunit D; plus strand). Cytogenetic location: 11q23.1.
Variant type: single nucleotide variant.
Coding change: c.393T>C on transcript NM_003002.4 (MANE Select); coding-DNA position 393, T replaced by C.
Protein change: p.Leu131=; no amino-acid change (leucine 131 retained).
Molecular consequence: synonymous variant. On other transcripts: missense variant (1), 3 prime UTR variant (1), non-coding transcript variant (1).
Genome position (GRCh38, 1-based): chr11:112,094,883, T>C. VCF-style: chr11-112094883-T-C. GRCh37 (hg19) VCF-style: chr11-111965607-T-C.
Other names: c.248T>C, p.Phe83Ser (NM_001276503.2); c.276T>C, p.Leu92= (NM_001276504.2); c.*91T>C (NM_001276506.2); short protein forms F83S.
Identifiers: ClinVar variation 2100933 (VCV002100933.5), dbSNP rs2498917517, ClinGen allele CA382619178.